The following is an entry in ClinVar:

NM_000795.4(DRD2):c.947A>C (p.His316Pro)

Gene: DRD2 (dopamine receptor D2; minus strand). Cytogenetic location: 11q23.2.
Variant type: single nucleotide variant.
Coding change: c.947A>C on transcript NM_000795.4 (MANE Select); coding-DNA position 947, A replaced by C.
Protein change: p.His316Pro; replaces histidine 316 with proline.
Molecular consequence: missense variant.
Genome position (GRCh38, 1-based): chr11:113,412,747, T>G on the plus strand (A>C on the coding strand, the complement: DRD2 is on the minus strand). VCF-style: chr11-113412747-T-G. GRCh37 (hg19) VCF-style: chr11-113283469-T-G.
Other names: c.860A>C, p.His287Pro (NM_016574.4); short protein forms H287P, H316P.
Identifiers: ClinVar variation 935222 (VCV000935222.19), dbSNP rs1182082677, ClinGen allele CA6281220.

ClinVar aggregate classification (germline): Uncertain significance. Review status: criteria provided, multiple submitters, no conflicts (2 of 4 stars). 3 submissions from 3 submitters: Uncertain significance (3). Last evaluated 2024-06-07.

Conditions:
Dystonic disorder. Also called: Dystonia. Identifiers: MedGen C0013421, MONDO:0003441, HP:0001332.

Allele frequency attached by ClinVar (database versions not stated): gnomAD exomes below 0.00001 and 0.00003; ExAC 0.00001; TOPMed 0.00002; gnomAD 0.00003.
gnomAD v4.1: 43 of 1,613,860 alleles (0.0027%); highest among the groups gnomAD compares: Non-Finnish European, 0.0035%; no homozygotes.

Submissions (3):

Ambry Genetics
Classification: Uncertain significance. Last evaluated: 2024-06-07. Review status: criteria provided, single submitter. Criteria: Ambry Variant Classification Scheme 2023. Collection method: clinical testing. Allele origin: germline.

ARUP Laboratories, Molecular Genetics and Genomics, ARUP Laboratories
Classification: Uncertain significance. Last evaluated: 2020-05-05. Review status: criteria provided, single submitter. Criteria: ARUP Molecular Germline Variant Investigation Process. Collection method: clinical testing. Allele origin: germline.

Labcorp Genetics (formerly Invitae), Labcorp
Classification: Uncertain significance for Dystonic disorder. Last evaluated: 2019-06-20. Review status: criteria provided, single submitter. Criteria: Invitae Variant Classification Sherloc (09022015). Collection method: clinical testing. Allele origin: germline.
Comment: This sequence change replaces histidine with proline at codon 316 of the DRD2 protein (p.His316Pro). The histidine residue is moderately conserved and there is a moderate physicochemical difference between histidine and proline. In summary, the available evidence is currently insufficient to determine the role of this variant in disease. Therefore, it has been classified as a Variant of Uncertain Significance. Algorithms developed to predict the effect of missense changes on protein structure and function (SIFT, PolyPhen-2, Align-GVGD) all suggest that this variant is likely to be tolerated, but these predictions have not been confirmed by published functional studies and their clinical significance is uncertain. This variant has not been reported in the literature in individuals with DRD2-related conditions. The frequency data for this variant in the population databases is considered unreliable, as metrics indicate poor data quality at this position in the ExAC database.